The following is an entry in ClinVar:

NM_001364905.1(LRBA):c.3394A>T (p.Asn1132Tyr)

Gene: LRBA (LPS responsive beige-like anchor protein; minus strand). Cytogenetic location: 4q31.3.
Variant type: single nucleotide variant.
Coding change: c.3394A>T on transcript NM_001364905.1 (MANE Select); coding-DNA position 3394, A replaced by T.
Protein change: p.Asn1132Tyr; replaces asparagine 1132 with tyrosine.
Molecular consequence: missense variant.
Genome position (GRCh38, 1-based): chr4:150,852,316, T>A on the plus strand (A>T on the coding strand, the complement: LRBA is on the minus strand). VCF-style: chr4-150852316-T-A. GRCh37 (hg19) VCF-style: chr4-151773468-T-A.
Other names: c.3394A>T, p.Asn1132Tyr (NM_001199282.3, NM_001367550.1, NM_006726.5); short protein forms N1132Y.
Identifiers: ClinVar variation 843751 (VCV000843751.17), dbSNP rs769386027, ClinGen allele CA3103050.

ClinVar aggregate classification (germline): Uncertain significance. Review status: criteria provided, multiple submitters, no conflicts (2 of 4 stars). 5 submissions from 5 submitters: Uncertain significance (5). Last evaluated 2026-10-01.

Conditions:
Combined immunodeficiency due to LRBA deficiency. Also called: Common variable immunodeficiency 8, with autoimmunity. Identifiers: Orphanet 445018, MedGen C3553512, MONDO:0013863, OMIM 614700.
Inborn genetic diseases. Identifiers: MedGen C0950123, MeSH D030342.

Allele frequency attached by ClinVar (database versions not stated): TOPMed 0.00002; gnomAD 0.00003 and 0.00004; ExAC 0.00005; gnomAD exomes 0.00005.
gnomAD v4.1: 174 of 1,613,948 alleles (0.011%); highest among the groups gnomAD compares: Non-Finnish European, 0.014%; no homozygotes.

Submissions (5):

St. Jude Molecular Pathology, St. Jude Children's Research Hospital
Classification: Uncertain significance for Combined immunodeficiency due to LRBA deficiency. Last evaluated: 2026-10-01. Review status: criteria provided, single submitter. Criteria: St. Jude Assertion Criteria 2020. Collection method: clinical testing. Allele origin: germline.
Comment: The LRBA c.3394A>T p.(Asn1132Tyr) missense change has a maximum subpopulation frequency of 0.009% in gnomAD v2.1.1. The in silico tool REVEL predicts a benign effect on protein function, but to our knowledge this prediction has not been confirmed by functional studies. To our knowledge, this variant has not been reported in individuals with LRBA-related disease. In summary, the evidence currently available is insufficient to determine the clinical significance of this variant. It has therefore been classified as of uncertain significance (VUS-Low).

Ambry Genetics
Classification: Uncertain significance for Inborn genetic diseases. Last evaluated: 2025-10-02. Review status: criteria provided, single submitter. Criteria: Ambry Variant Classification Scheme 2023. Collection method: clinical testing. Allele origin: germline.

Labcorp Genetics (formerly Invitae), Labcorp
Classification: Uncertain significance for Combined immunodeficiency due to LRBA deficiency. Last evaluated: 2024-10-29. Review status: criteria provided, single submitter. Criteria: Invitae Variant Classification Sherloc (09022015). Collection method: clinical testing. Allele origin: germline.
Comment: This sequence change replaces asparagine, which is neutral and polar, with tyrosine, which is neutral and polar, at codon 1132 of the LRBA protein (p.Asn1132Tyr). This variant is present in population databases (rs769386027, gnomAD 0.01%). This variant has not been reported in the literature in individuals affected with LRBA-related conditions. ClinVar contains an entry for this variant (Variation ID: 843751). Invitae Evidence Modeling of protein sequence and biophysical properties (such as structural, functional, and spatial information, amino acid conservation, physicochemical variation, residue mobility, and thermodynamic stability) indicates that this missense variant is not expected to disrupt LRBA protein function with a negative predictive value of 80%. In summary, the available evidence is currently insufficient to determine the role of this variant in disease. Therefore, it has been classified as a Variant of Uncertain Significance.

Blueprint Genetics
Classification: Uncertain significance. Last evaluated: 2024-09-25. Review status: criteria provided, single submitter. Criteria: ACMG Guidelines, 2015. Collection method: clinical testing. Allele origin: germline.

Mayo Clinic Laboratories, Mayo Clinic
Classification: Uncertain significance. Last evaluated: 2020-03-20. Review status: criteria provided, single submitter. Criteria: ACMG Guidelines, 2015. Collection method: clinical testing. Allele origin: germline. Observed: 1 variant allele.